The following is an entry in ClinVar:

NM_014915.3(ANKRD26):c.2259T>G (p.Ile753Met)

Gene: ANKRD26 (ankyrin repeat domain containing 26; minus strand). Cytogenetic location: 10p12.1.
Variant type: single nucleotide variant.
Coding change: c.2259T>G on transcript NM_014915.3 (MANE Select); coding-DNA position 2259, T replaced by G.
Protein change: p.Ile753Met; replaces isoleucine 753 with methionine.
Molecular consequence: missense variant.
Genome position (GRCh38, 1-based): chr10:27,040,081, A>C on the plus strand (T>G on the coding strand, the complement: ANKRD26 is on the minus strand). VCF-style: chr10-27040081-A-C. GRCh37 (hg19) VCF-style: chr10-27329010-A-C.
Other names: c.2256T>G, p.Ile752Met (NM_001256053.2); short protein forms I752M, I753M.
Identifiers: ClinVar variation 4104251 (VCV004104251.1).

ClinVar aggregate classification (germline): Uncertain significance (1 of 4 stars; one submission).

Conditions:
Inborn genetic diseases. Identifiers: MedGen C0950123, MeSH D030342.

Submission:

Ambry Genetics
Classification: Uncertain significance for Inborn genetic diseases. Last evaluated: 2025-08-19. Review status: criteria provided, single submitter. Criteria: Ambry Variant Classification Scheme 2023. Collection method: clinical testing. Allele origin: germline.
Comment: The p.I753M variant (also known as c.2259T>G), located in coding exon 21 of the ANKRD26 gene, results from a T to G substitution at nucleotide position 2259. The isoleucine at codon 753 is replaced by methionine, an amino acid with highly similar properties. This amino acid position is conserved. In addition, this alteration is predicted to be tolerated by in silico analysis. Based on the available evidence, the clinical significance of this variant remains unclear.